The following is an entry in ClinVar:

ClinVar aggregate classification (germline): Likely benign (1 of 4 stars; one submission).

Allele frequency attached by ClinVar (database versions not stated): gnomAD exomes 0.00002; gnomAD 0.00005; ExAC 0.00007; TOPMed 0.00009; 1000 Genomes Project 0.00020; 1000 Genomes Project 30x 0.00031.
gnomAD v4.1: 30 of 1,607,500 alleles (0.0019%); highest among the groups gnomAD compares: East Asian, 0.036%; no homozygotes.

Submission:

CeGaT Center for Human Genetics Tuebingen
Classification: Likely benign. Last evaluated: 2022-11-01. Review status: criteria provided, single submitter. Criteria: CeGaT Center For Human Genetics Tuebingen Variant Classification Criteria Version 2. Collection method: clinical testing. Allele origin: germline. Affected: yes. Observed: 1 variant allele.
Comment: PCSK6: BP4, BP7

NM_002570.5(PCSK6):c.1071C>T (p.Cys357=)

Gene: PCSK6 (proprotein convertase subtilisin/kexin type 6; minus strand). Cytogenetic location: 15q26.3.
Variant type: single nucleotide variant.
Coding change: c.1071C>T on transcript NM_002570.5 (MANE Select); coding-DNA position 1071, C replaced by T.
Protein change: p.Cys357=; no amino-acid change (cysteine 357 retained).
Molecular consequence: synonymous variant.
Genome position (GRCh38, 1-based): chr15:101,393,350, G>A on the plus strand (C>T on the coding strand, the complement: PCSK6 is on the minus strand). VCF-style: chr15-101393350-G-A. GRCh37 (hg19) VCF-style: chr15-101933555-G-A.
Other names: c.1071C>T, p.Cys357= (NM_001291309.2, NM_138319.4, NM_138322.4 and 3 more transcripts).
Identifiers: ClinVar variation 2645755 (VCV002645755.24), dbSNP rs572692959, ClinGen allele CA7764114.